The following is an entry in ClinVar:

NM_000426.4(LAMA2):c.7402del (p.Ile2468fs)

Gene: LAMA2 (laminin subunit alpha 2; plus strand). Cytogenetic location: 6q22.33.
Variant type: Deletion.
Coding change: c.7402del on transcript NM_000426.4 (MANE Select); coding-DNA position 7402, one base deleted (A; older notation c.7402delA).
Protein change: p.Ile2468fs; shifts the reading frame from isoleucine 2468.
Molecular consequence: frameshift variant.
Genome position (GRCh38, 1-based): chr6:129,473,315, A deleted; the last of 4 consecutive A bases (chr6:129,473,312-129,473,315); deleting any one gives the same sequence. VCF-style (leftmost placement, unchanged base first): chr6-129473311-CA-C. GRCh37 (hg19) VCF-style: chr6-129794456-CA-C.
Other names: c.7402del, p.Ile2468fs (NM_001079823.2); short protein forms I2468fs.
Identifiers: ClinVar variation 5012843 (VCV005012843.1).

ClinVar aggregate classification (germline): Pathogenic (1 of 4 stars; one submission).

Conditions:
LAMA2-related muscular dystrophy (LAMA2-RD). Also called: Laminin alpha 2-related dystrophy. Identifiers: MedGen C5679788, MONDO:0100228.

Submission:

Myriad Genetics, Inc.
Classification: Pathogenic for LAMA2-related muscular dystrophy. Last evaluated: 2024-03-21. Review status: criteria provided, single submitter. Criteria: Myriad Autosomal Dominant, Autosomal Recessive and X-Linked Classification Criteria (2023). Collection method: clinical testing. Allele origin: unknown.
Comment: NM_000426.3(LAMA2):c.7402delA(I2468Yfs*9) is expected to be pathogenic in the context of muscular dystrophy, LAMA2-related. This variant is predicted to lead to an abnormal or absent protein product due to the creation of a premature termination codon in LAMA2, a gene where loss-of-function variants are known to be pathogenic. Please note: this variant was assessed in the context of healthy population screening.